The following is an entry in ClinVar:

Conditions:
Breast-ovarian cancer, familial, susceptibility to, 1 (BROVCA1). Also called: BRCA1 Hereditary Breast and Ovarian Cancer; OVARIAN CANCER, SUSCEPTIBILITY TO. Identifiers: Orphanet 145, MedGen C2676676, MONDO:0011450, OMIM 604370. Disease mechanism: loss of function.

Submission:

Brotman Baty Institute, University of Washington
No classification provided (evidence only). Condition: Breast-ovarian cancer, familial 1. Review status: no classification provided. Collection method: in vitro. Allele origin: not applicable. Functional consequence: functionally_normal.
ClinVar note: "not provided" was previously submitted as the classification for the variant. However, the classification appeared to be based only on an observation of functional data so it was converted to no classification on 2025-07-30.

NM_007294.4(BRCA1):c.105C>G (p.Val35=)

Gene: BRCA1 (BRCA1 DNA repair associated; minus strand). Cytogenetic location: 17q21.31.
Variant type: single nucleotide variant.
Coding change: c.105C>G on transcript NM_007294.4 (MANE Select); coding-DNA position 105, C replaced by G.
Protein change: p.Val35=; no amino-acid change (valine 35 retained).
Molecular consequence: synonymous variant. On other transcripts: intron variant (41), 5 prime UTR variant (132).
Genome position (GRCh38, 1-based): chr17:43,115,755, G>C on the plus strand (C>G on the coding strand, the complement: BRCA1 is on the minus strand). VCF-style: chr17-43115755-G-C. GRCh37 (hg19) VCF-style: chr17-41267772-G-C.
Other names: c.-8+8262C>G (NM_001407936.1, NM_001407849.1, NM_001407845.1 and 23 more transcripts); c.-8+5803C>G (NM_001407751.1, NM_001407726.1); c.-55+8262C>G (NM_001407902.1, NM_001407898.1, NM_001407881.1); c.-84C>G (NM_001407571.1, NM_001407853.1, NM_001407879.1 and 52 more transcripts); c.105C>G, p.Val35= (NM_001407581.1, NM_001407582.1, NM_001407583.1 and 192 more transcripts); c.-153C>G (NM_001407694.1, NM_001407696.1, NM_001407724.1 and 13 more transcripts); c.-157C>G (NM_001407695.1, NM_001408465.1); c.-37C>G (NM_001407697.1, NM_001407725.1, NM_001407728.1 and 47 more transcripts); and 10 more.
Identifiers: ClinVar variation 867807 (VCV000867807.3), dbSNP rs2055254108, ClinGen allele CA500130039.
Genomic context (GRCh38, chr17:43,115,755, plus strand): 5'-TAATGGAGCCACATAACACATTCAAACTTACTTGCAAAATATGTGGTCACACTTTGTGGA[G>C]ACAGGTTCCTTGATCAACTCCAGACTAGCAGGGTAGGGGGGGAGAAAAAGAAAATAAATG-3'
Protein context (NP_009225.1, residues 25-45): PICLELIKEP[Val35=]STKCDHIFCK